The following is an entry in ClinVar:

ClinVar aggregate classification (germline): Pathogenic (1 of 4 stars; one submission).

Conditions:
Birt-Hogg-Dube syndrome. Also called: Birt Hogg Dubé syndrome. Identifiers: Orphanet 122, MedGen C0346010, MONDO:0800444.

Submission:

Labcorp Genetics (formerly Invitae), Labcorp
Classification: Pathogenic for Birt-Hogg-Dube syndrome. Last evaluated: 2021-05-31. Review status: criteria provided, single submitter. Criteria: Invitae Variant Classification Sherloc (09022015). Collection method: clinical testing. Allele origin: germline.
Comment: For these reasons, this variant has been classified as Pathogenic. This variant has not been reported in the literature in individuals with FLCN-related conditions. This variant is not present in population databases (ExAC no frequency). This sequence change creates a premature translational stop signal (p.Ala252Glyfs*11) in the FLCN gene. It is expected to result in an absent or disrupted protein product. Loss-of-function variants in FLCN are known to be pathogenic (PMID: 15852235).

Literature cited by the submitters: PubMed 15852235.

NM_144997.7(FLCN):c.755del (p.Ala252fs)

Gene: FLCN (folliculin; minus strand). Cytogenetic location: 17p11.2.
Variant type: Deletion.
Coding change: c.755del on transcript NM_144997.7 (MANE Select); coding-DNA position 755, one base deleted (C; older notation c.755delC).
Protein change: p.Ala252fs; shifts the reading frame from alanine 252.
Molecular consequence: frameshift variant.
Genome position (GRCh38, 1-based): chr17:17,222,525, G deleted on the plus strand (C on the coding strand, the reverse complement: FLCN is on the minus strand). VCF-style (leftmost placement, unchanged base first): chr17-17222524-CG-C. GRCh37 (hg19) VCF-style: chr17-17125838-CG-C.
Other names: c.755del, p.Ala252fs (NM_001353231.2, NM_144606.7, NM_001353230.2); c.809del, p.Ala270fs (NM_001353229.2); short protein forms A252fs, A270fs.
Identifiers: ClinVar variation 1452894 (VCV001452894.6), dbSNP rs2144948439, ClinGen allele CA2573153107.